The following is an entry in ClinVar:

NM_020919.4(ALS2):c.1501C>T (p.Arg501Trp)

Gene: ALS2 (alsin Rho guanine nucleotide exchange factor ALS2; minus strand). Cytogenetic location: 2q33.1.
Variant type: single nucleotide variant.
Coding change: c.1501C>T on transcript NM_020919.4 (MANE Select); coding-DNA position 1501, C replaced by T.
Protein change: p.Arg501Trp; replaces arginine 501 with tryptophan.
Molecular consequence: missense variant.
Genome position (GRCh38, 1-based): chr2:201,754,642, G>A on the plus strand (C>T on the coding strand, the complement: ALS2 is on the minus strand). VCF-style: chr2-201754642-G-A. GRCh37 (hg19) VCF-style: chr2-202619365-G-A.
Other names: c.1501C>T, p.Arg501Trp (NM_001410975.1); short protein forms R501W.
Identifiers: ClinVar variation 3730952 (VCV003730952.2).
Genomic context (GRCh38, chr2:201,754,642, plus strand): 5'-GGAGCGCATCTGCTTCTCCACTGTATGTGGGGGTCAGAACCACTGTCCTCGTTTTCACCC[G>A]TGCAGCCTTTCTTAAGAGCCTGGGGGAAACTGAAAACCAACCAGACGTGGGGTGAAGGAG-3'
Protein context (NP_065970.2, residues 491-511): VSPRLLRKAA[Arg501Trp]VKTRTVVLTP

ClinVar aggregate classification (germline): Uncertain significance (1 of 4 stars; one submission).

gnomAD v4.1: 21 of 1,613,998 alleles (0.0013%); highest among the groups gnomAD compares: Middle Eastern, 0.049%; no homozygotes.

Submission:

GeneDx
Classification: Uncertain significance. Last evaluated: 2026-10-10. Review status: criteria provided, single submitter. Criteria: GeneDx Variant Classification Process June 2021. Collection method: clinical testing. Allele origin: germline.
Comment: Not observed at significant frequency in large population cohorts (gnomAD); In silico analysis supports that this missense variant has a deleterious effect on protein structure/function; Has not been previously published as pathogenic or benign to our knowledge